The following is an entry in ClinVar:

ClinVar aggregate classification (germline): Uncertain significance. Review status: criteria provided, multiple submitters, no conflicts (2 of 4 stars). 2 submissions from 2 submitters: Uncertain significance (2). Last evaluated 2024-02-01.

Allele frequency attached by ClinVar (database versions not stated): ESP Exome Variant Server 0.00008; gnomAD 0.00018 and 0.00019; gnomAD exomes 0.00018 and 0.00026; TOPMed 0.00022; ExAC 0.00030; 1000 Genomes Project 30x 0.00031; 1000 Genomes Project 0.00040.
gnomAD v4.1: 321 of 1,612,630 alleles (0.02%); highest among the groups gnomAD compares: Middle Eastern, 0.2%; 1 homozygote.

Submissions (2):

GeneDx
Classification: Uncertain significance. Last evaluated: 2024-02-01. Review status: criteria provided, single submitter. Criteria: GeneDx Variant Classification Process June 2021. Collection method: clinical testing. Allele origin: germline. Affected: yes.
Comment: In silico analysis supports that this missense variant does not alter protein structure/function; Has not been previously published as pathogenic or benign to our knowledge

Labcorp Genetics (formerly Invitae), Labcorp
Classification: Uncertain significance. Last evaluated: 2022-08-20. Review status: criteria provided, single submitter. Criteria: Invitae Variant Classification Sherloc (09022015). Collection method: clinical testing. Allele origin: germline.
Comment: This sequence change replaces arginine, which is basic and polar, with histidine, which is basic and polar, at codon 913 of the ADAMTSL4 protein (p.Arg913His). This variant is present in population databases (rs144358124, gnomAD 0.04%). This variant has not been reported in the literature in individuals affected with ADAMTSL4-related conditions. ClinVar contains an entry for this variant (Variation ID: 1383893). Algorithms developed to predict the effect of missense changes on protein structure and function output the following: SIFT: "Tolerated"; PolyPhen-2: "Benign"; Align-GVGD: "Class C0". The histidine amino acid residue is found in multiple mammalian species, which suggests that this missense change does not adversely affect protein function. In summary, the available evidence is currently insufficient to determine the role of this variant in disease. Therefore, it has been classified as a Variant of Uncertain Significance.

NM_019032.6(ADAMTSL4):c.2738G>A (p.Arg913His)

Gene: ADAMTSL4 (ADAMTS like 4; plus strand). Cytogenetic location: 1q21.2.
Variant type: single nucleotide variant.
Coding change: c.2738G>A on transcript NM_019032.6 (MANE Select); coding-DNA position 2738, G replaced by A.
Protein change: p.Arg913His; replaces arginine 913 with histidine.
Molecular consequence: missense variant.
Genome position (GRCh38, 1-based): chr1:150,559,140, G>A. VCF-style: chr1-150559140-G-A. GRCh37 (hg19) VCF-style: chr1-150531616-G-A.
Other names: c.2621G>A, p.Arg874His (NM_001288607.2); c.2807G>A, p.Arg936His (NM_001288608.2); c.2738G>A, p.Arg913His (NM_001378596.1); c.2738G>A (NM_019032.5); short protein forms R913H, R874H, R936H.
Identifiers: ClinVar variation 1383893 (VCV001383893.4), dbSNP rs144358124, ClinGen allele CA1078822.